The following is an entry in ClinVar:

ClinVar aggregate classification (germline): Likely pathogenic. Review status: criteria provided, multiple submitters, no conflicts (2 of 4 stars). 4 submissions from 4 submitters: Likely pathogenic (4). Last evaluated 2024-02-20.

Conditions:
Dihydropyrimidine dehydrogenase deficiency (DPYDD). Also called: Hereditary Thymine-Uraciluria; DPD DEFICIENCY; DPYD DEFICIENCY. Identifiers: Orphanet 1675, MedGen C1959620, MONDO:0010130, OMIM 274270.
DPYD-related disorders.

Submissions (4):

Baylor Genetics
Classification: Likely pathogenic for Dihydropyrimidine dehydrogenase deficiency. Last evaluated: 2024-02-20. Review status: criteria provided, single submitter. Criteria: ACMG Guidelines, 2015. Collection method: clinical testing. Allele origin: unknown.

Women's Health and Genetics/Laboratory Corporation of America, LabCorp
Classification: Likely pathogenic for Dihydropyrimidine dehydrogenase deficiency. Last evaluated: 2022-10-28. Review status: criteria provided, single submitter. Criteria: LabCorp Variant Classification Summary - May 2015. Collection method: clinical testing. Allele origin: germline.
Comment: Variant summary: DPYD c.1155_1156delTG (p.Cys385X) results in a premature termination codon, predicted to cause a truncation of the encoded protein or absence of the protein due to nonsense mediated decay, which are commonly known mechanisms for disease. Truncating variants downstream of this position have been classified as pathogenic within in our laboratory, and a nearby nonsense variant has been classified as drug responsive/pathogenic within ClinVar (1032887: c.1156G>T [p.Glu386Ter]). The variant allele was found at a frequency of 2.8e-05 in 250820 control chromosomes (gnomAD). To our knowledge, no occurrence of c.1155_1156delTG in individuals affected with Dihydropyrimidine Dehydrogenase Deficiency and no experimental evidence demonstrating its impact on protein function have been reported. No clinical diagnostic laboratories have submitted clinical-significance assessments for this variant to ClinVar after 2014. Based on the evidence outlined above, the variant was classified as likely pathogenic.

Blueprint Genetics
Classification: Likely pathogenic for DPYD-related disorders. Last evaluated: 2022-09-07. Review status: criteria provided, single submitter. Criteria: ACMG Guidelines, 2015. Collection method: clinical testing. Allele origin: germline. Affected: yes. Observed: 2 variant alleles.

Juno Genomics, Hangzhou Juno Genomics, Inc
Classification: Likely pathogenic for Dihydropyrimidine dehydrogenase deficiency. Review status: criteria provided, single submitter. Criteria: ACMG Guidelines, 2015. Collection method: clinical testing. Allele origin: germline.
Comment: Absent from controls (or at extremely low frequency if recessive) in Genome Aggregation Database.;Null variant in a gene where loss of function (LOF) is a known mechanism of disease.

NM_000110.4(DPYD):c.1155_1156del (p.Cys385_Glu386delinsTer)

Gene: DPYD (dihydropyrimidine dehydrogenase; minus strand). Cytogenetic location: 1p21.3.
Variant type: Microsatellite.
Coding change: c.1155_1156del on transcript NM_000110.4 (MANE Select); coding-DNA positions 1155 to 1156, 2 bases deleted (TG; older notation c.1155_1156delTG).
Protein change: p.Cys385_Glu386delinsTer.
Molecular consequence: nonsense.
Genome position (GRCh38, 1-based): chr1:97,573,943-97,573,944, CA deleted on the plus strand (TG on the coding strand, the reverse complement: DPYD is on the minus strand); deleting any 2 consecutive bases within chr1:97,573,943-97,573,947 gives the same sequence; the c. name uses the placement nearest the transcript's 3' end. VCF-style (leftmost placement, unchanged base first): chr1-97573942-TCA-T. GRCh37 (hg19) VCF-style: chr1-98039498-TCA-T.
Identifiers: ClinVar variation 1723398 (VCV001723398.6), dbSNP rs769925158, ClinGen allele CA963419.
Genomic context (GRCh38, chr1:97,573,942, plus strand): 5'-ATAGCAACAATTCTCCCACCTTTTACTATAACCTTCCGTGGGGACAGGAATGGCAGAAAT[TCA>T]CACTTTTCTTCCTTAGCAAGTTCCATCTAAAACAAAACAGAACAGAGAAGAAACTTGAAA-3'